The following is an entry in ClinVar:

NM_003072.5(SMARCA4):c.3985C>G (p.Arg1329Gly)

Gene: SMARCA4 (SWI/SNF related BAF chromatin remodeling complex subunit ATPase 4; plus strand). Cytogenetic location: 19p13.2.
Variant type: single nucleotide variant.
Coding change: c.3985C>G on transcript NM_003072.5 (MANE Select); coding-DNA position 3985, C replaced by G.
Protein change: p.Arg1329Gly; replaces arginine 1329 with glycine.
Molecular consequence: missense variant. On other transcripts: non-coding transcript variant (1).
Genome position (GRCh38, 1-based): chr19:11,034,947, C>G. VCF-style: chr19-11034947-C-G. GRCh37 (hg19) VCF-style: chr19-11145623-C-G.
Other names: c.3985C>G, p.Arg1329Gly (NM_001128844.3, NM_001128849.3); c.3886C>G, p.Arg1296Gly (NM_001128845.2, NM_001128846.2, NM_001128847.4 and 2 more transcripts); short protein forms R1329G, R1296G.
Identifiers: ClinVar variation 946876 (VCV000946876.9), dbSNP rs878854219, ClinGen allele CA404068053.

ClinVar aggregate classification (germline): Uncertain significance (1 of 4 stars; one submission).

Conditions:
Rhabdoid tumor predisposition syndrome 2 (RTPS2). Identifiers: Orphanet 231108, Orphanet 69077, MedGen C2750074, MONDO:0013224, OMIM 613325.

Submission:

Labcorp Genetics (formerly Invitae), Labcorp
Classification: Uncertain significance for Rhabdoid tumor predisposition syndrome 2. Last evaluated: 2019-07-03. Review status: criteria provided, single submitter. Criteria: Invitae Variant Classification Sherloc (09022015). Collection method: clinical testing. Allele origin: germline.
Comment: This variant has not been reported in the literature in individuals with SMARCA4-related conditions. Algorithms developed to predict the effect of missense changes on protein structure and function are either unavailable or do not agree on the potential impact of this missense change (SIFT: "Deleterious"; PolyPhen-2: "Possibly Damaging"; Align-GVGD: "Class C0"). In summary, the available evidence is currently insufficient to determine the role of this variant in disease. Therefore, it has been classified as a Variant of Uncertain Significance. This variant is not present in population databases (ExAC no frequency). This sequence change replaces arginine with glycine at codon 1329 of the SMARCA4 protein (p.Arg1329Gly). The arginine residue is highly conserved and there is a moderate physicochemical difference between arginine and glycine.